The following is an entry in ClinVar:

NM_001253697.2(ERBIN):c.213A>T (p.Leu71Phe)

Gene: ERBIN (erbb2 interacting protein; plus strand). Cytogenetic location: 5q12.3.
Variant type: single nucleotide variant.
Coding change: c.213A>T on transcript NM_001253697.2 (MANE Select); coding-DNA position 213, A replaced by T.
Protein change: p.Leu71Phe; replaces leucine 71 with phenylalanine.
Molecular consequence: missense variant.
Genome position (GRCh38, 1-based): chr5:65,994,770, A>T. VCF-style: chr5-65994770-A-T. GRCh37 (hg19) VCF-style: chr5-65290598-A-T.
Other names: c.213A>T, p.Leu71Phe (NM_001006600.3, NM_001253698.2, NM_001253699.2 and 2 more transcripts); short protein forms L71F.
Identifiers: ClinVar variation 1521145 (VCV001521145.8), dbSNP rs2151054888, ClinGen allele CA359972156.
Genomic context (GRCh38, chr5:65,994,770, plus strand): 5'-TATATAATTGACATTCTTTCCTCCCTTTTTTCAATAGCAACTTTTTAACTGTCAGTCTTT[A>T]CACAAACTGAGTTTGCCAGACAATGATTTAACAACGTTACCAGCATCCATTGCAAACCTT-3'
Protein context (NP_001240626.1, residues 61-81): LPKQLFNCQS[Leu71Phe]HKLSLPDNDL

ClinVar aggregate classification (germline): Uncertain significance (1 of 4 stars; one submission).

Submission:

Labcorp Genetics (formerly Invitae), Labcorp
Classification: Uncertain significance. Last evaluated: 2022-07-19. Review status: criteria provided, single submitter. Criteria: Invitae Variant Classification Sherloc (09022015). Collection method: clinical testing. Allele origin: germline.
Comment: This sequence change replaces leucine, which is neutral and non-polar, with phenylalanine, which is neutral and non-polar, at codon 71 of the ERBIN protein (p.Leu71Phe). This variant is not present in population databases (gnomAD no frequency). This variant has not been reported in the literature in individuals affected with ERBIN-related conditions. ClinVar contains an entry for this variant (Variation ID: 1521145). Algorithms developed to predict the effect of missense changes on protein structure and function are either unavailable or do not agree on the potential impact of this missense change (SIFT: "Deleterious"; PolyPhen-2: "Probably Damaging"; Align-GVGD: "Class C0"). In summary, the available evidence is currently insufficient to determine the role of this variant in disease. Therefore, it has been classified as a Variant of Uncertain Significance.